The following is an entry in ClinVar:

ClinVar aggregate classification (germline): Pathogenic (1 of 4 stars; one submission).

Conditions:
Wilms tumor 1 (WT1). Also called: Wilms tumor, somatic. Identifiers: Orphanet 654, MedGen CN033288, MONDO:0008679, OMIM 194070.
11p partial monosomy syndrome (WAGR). Also called: CHROMOSOME 11p13 DELETION SYNDROME; WAGR Spectrum Disorder; WAGR syndrome; WAGR Complex. Identifiers: Orphanet 893, MedGen C0206115, MONDO:0008681, OMIM 194072.
Drash syndrome (DDS). Also called: NEPHROPATHY, WILMS TUMOR, AND GENITAL ANOMALIES; WILMS TUMOR AND PSEUDO- OR TRUE HERMAPHRODITISM. Identifiers: Orphanet 220, MedGen C0950121, MONDO:0008682, OMIM 194080.
Frasier syndrome. Identifiers: Orphanet 347, MedGen C0950122, MeSH D052159, MONDO:0007635, OMIM 136680.

Submission:

Labcorp Genetics (formerly Invitae), Labcorp
Classification: Pathogenic for Wilms tumor 1; Drash syndrome; 11p partial monosomy syndrome; Frasier syndrome. Last evaluated: 2025-10-21. Review status: criteria provided, single submitter. Criteria: Invitae Variant Classification Sherloc (09022015). Collection method: clinical testing. Allele origin: germline.
Comment: This sequence change creates a premature translational stop signal (p.Pro136Argfs*25) in the WT1 gene. It is expected to result in an absent or disrupted protein product. Loss-of-function variants in WT1 are known to be pathogenic (PMID: 15150775). This variant is not present in population databases (gnomAD no frequency). This variant has not been reported in the literature in individuals affected with WT1-related conditions. For these reasons, this variant has been classified as Pathogenic.

Literature cited by the submitters: PubMed 15150775.

NM_024426.6(WT1):c.413_414insACCACCCC (p.Pro141fs)

Genes: WT1 (WT1 transcription factor; minus strand), LOC107982234 (WT1/WT1-AS bi-directional promoter region; plus strand). Cytogenetic location: 11p13.
Variant type: Microsatellite.
Coding change: c.413_414insACCACCCC on transcript NM_024426.6 (MANE Select); coding-DNA positions 413 to 414, ACCACCCC inserted.
Protein change: p.Pro141fs; shifts the reading frame from proline 141.
Molecular consequence: frameshift variant. On other transcripts: non-coding transcript variant (2).
Genome position: GRCh38 VCF-style: chr11-32434947-C-CGGGGTGGT. GRCh37 (hg19) VCF-style: chr11-32456493-C-CGGGGTGGT.
Other names: c.413_414insACCACCCC, p.Pro141fs (NM_000378.6, NM_001407044.1, NM_001407045.1 and 6 more transcripts); c.194_195insACCACCCC, p.Pro68fs (NM_001429031.1, NM_001429032.1, NM_001429033.1 and 1 more transcripts); short protein forms P141fs, P68fs.
Identifiers: ClinVar variation 4784033 (VCV004784033.1).
Genomic context (GRCh38, chr11:32,434,947, plus strand): 5'-CTCGTGCGGCTCCGCGCCGCCCCAGCTCGGCTCCTGTTTGATGAAGGAGTGAGGCGGCGG[C>CGGGGTGGT]GGCGGGGGTGGCGGCGGAGCCGGTGGCGGCGCGGGGCCGCCCAACGACCCGTAAGCCGAA-3'